The following is an entry in ClinVar:

NM_000059.4(BRCA2):c.9725C>T (p.Thr3242Ile)

Gene: BRCA2 (BRCA2 DNA repair associated; plus strand). Cytogenetic location: 13q13.1.
Variant type: single nucleotide variant.
Coding change: c.9725C>T on transcript NM_000059.4 (MANE Select); coding-DNA position 9725, C replaced by T.
Protein change: p.Thr3242Ile; replaces threonine 3242 with isoleucine.
Molecular consequence: missense variant.
Genome position (GRCh38, 1-based): chr13:32,398,238, C>T. VCF-style: chr13-32398238-C-T. GRCh37 (hg19) VCF-style: chr13-32972375-C-T.
Other names: short protein forms T3242I.
Identifiers: ClinVar variation 236933 (VCV000236933.12), dbSNP rs768210077, ClinGen allele CA6941442.
Genomic context (GRCh38, chr13:32,398,238, plus strand): 5'-GTGAGATATATTATCAAAGTCCTTTATCACTTTGTATGGCCAAAAGGAAGTCTGTTTCCA[C>T]ACCTGTCTCAGCCCAGATGACTTCAAAGTCTTGTAAAGGGGAGAAAGAGATTGATGACCA-3'
Protein context (NP_000050.3, residues 3232-3252): LCMAKRKSVS[Thr3242Ile]PVSAQMTSKS

ClinVar aggregate classification (germline): Uncertain significance. Review status: criteria provided, multiple submitters, no conflicts (2 of 4 stars). 7 submissions from 7 submitters: Uncertain significance (6). 1 of the submissions does not count toward it. Last evaluated 2025-07-11.

Conditions:
Hereditary cancer-predisposing syndrome. Also called: Tumor predisposition; Hereditary Cancer Syndrome; Hereditary neoplastic syndrome; Neoplastic Syndromes, Hereditary. Identifiers: Orphanet 140162, MedGen C0027672, MeSH D009386, MONDO:0015356.
Hereditary breast ovarian cancer syndrome. Also called: Hereditary breast and ovarian cancer; Breast and ovarian cancer; BRCA1- and BRCA2-Associated Hereditary Breast and Ovarian Cancer; Hereditary breast and ovarian cancer syndrome; Hereditary breast and ovarian cancer syndrome (HBOC); Hereditary breast and/or ovarian cancer syndrome. Identifiers: Orphanet 145, MedGen C0677776, MeSH D061325, MONDO:0003582. Disease mechanism: loss of function.
Breast-ovarian cancer, familial, susceptibility to, 2 (BROVCA2). Also called: BRCA2 Hereditary Breast and Ovarian Cancer. Identifiers: Orphanet 145, MedGen C2675520, MONDO:0012933, OMIM 612555. Disease mechanism: loss of function.

Allele frequency attached by ClinVar (database versions not stated): gnomAD exomes below 0.00001; ExAC 0.00001; TOPMed 0.00001.
gnomAD v4.1: 1 of 1,613,926 alleles (0.000062%); highest among the groups gnomAD compares: Non-Finnish European, 0.000085%; no homozygotes.

Submissions (7):

Women's Health and Genetics/Laboratory Corporation of America, LabCorp
Classification: Uncertain significance. Last evaluated: 2025-07-11. Review status: criteria provided, single submitter. Criteria: LabCorp Variant Classification Summary - May 2015. Collection method: clinical testing. Allele origin: germline.
Comment: Variant summary: BRCA2 c.9725C>T (p.Thr3242Ile) results in a non-conservative amino acid change in the encoded protein sequence. Algorithms developed to predict the effect of missense changes on protein structure and function are either unavailable or do not agree on the potential impact of this missense change. The variant allele was found at a frequency of 4e-06 in 251100 control chromosomes. The available data on variant occurrences in the general population are insufficient to allow any conclusion about variant significance. To our knowledge, no occurrence of c.9725C>T in individuals affected with Hereditary Breast And Ovarian Cancer Syndrome and no experimental evidence demonstrating its impact on protein function have been reported. ClinVar contains an entry for this variant (Variation ID: 236933). Based on the evidence outlined above, the variant was classified as uncertain significance.

Labcorp Genetics (formerly Invitae), Labcorp
Classification: Uncertain significance for Hereditary breast ovarian cancer syndrome. Last evaluated: 2024-12-04. Review status: criteria provided, single submitter. Criteria: Invitae Variant Classification Sherloc (09022015). Collection method: clinical testing. Allele origin: germline.
Comment: This sequence change replaces threonine, which is neutral and polar, with isoleucine, which is neutral and non-polar, at codon 3242 of the BRCA2 protein (p.Thr3242Ile). This variant is present in population databases (rs768210077, gnomAD 0.0009%). This variant has not been reported in the literature in individuals affected with BRCA2-related conditions. ClinVar contains an entry for this variant (Variation ID: 236933). Invitae Evidence Modeling of protein sequence and biophysical properties (such as structural, functional, and spatial information, amino acid conservation, physicochemical variation, residue mobility, and thermodynamic stability) indicates that this missense variant is not expected to disrupt BRCA2 protein function with a negative predictive value of 95%. In summary, the available evidence is currently insufficient to determine the role of this variant in disease. Therefore, it has been classified as a Variant of Uncertain Significance.

All of Us Research Program, National Institutes of Health
Classification: Uncertain significance for Breast-ovarian cancer, familial, susceptibility to, 2. Last evaluated: 2023-10-30. Review status: criteria provided, single submitter. Criteria: ACMG Guidelines, 2015. Collection method: clinical testing. Allele origin: germline. Inheritance: Autosomal dominant inheritance. Observed: 1 variant allele, 1 heterozygote.
Comment: This missense variant replaces threonine with isoleucine at codon 3242 of the BRCA2 protein. Computational prediction suggests that this variant may not impact protein structure and function (internally defined REVEL score threshold <= 0.5, PMID: 27666373). To our knowledge, functional studies have not been reported for this variant. This variant has not been reported in individuals affected with hereditary cancer in the literature. This variant has been identified in 1/251100 chromosomes in the general population by the Genome Aggregation Database (gnomAD). The available evidence is insufficient to determine the role of this variant in disease conclusively. Therefore, this variant is classified as a Variant of Uncertain Significance.

This study involves interpretation of variants in research participants for the purpose of population health screening. Participant phenotype was not available at the time of variant classification. Additional details can be found in publication PMID: 35346344, PMCID: PMC8962531

GeneDx
Classification: Uncertain significance. Last evaluated: 2023-07-18. Review status: criteria provided, single submitter. Criteria: GeneDx Variant Classification Process June 2021. Collection method: clinical testing. Allele origin: germline. Affected: yes.
Comment: Observed in an individual with bile duct cancer, suspected of having hereditary breast and ovarian cancer syndrome (Lerner-Ellis et al., 2021); In silico analysis supports that this missense variant does not alter protein structure/function; Not observed at significant frequency in large population cohorts (gnomAD); Also known as 9953C>T; This variant is associated with the following publications: (PMID: 32377563, 29884841, 32885271)

Ambry Genetics
Classification: Uncertain significance for Hereditary cancer-predisposing syndrome. Last evaluated: 2023-06-04. Review status: criteria provided, single submitter. Criteria: Ambry Variant Classification Scheme 2023. Collection method: clinical testing. Allele origin: germline.
Comment: The p.T3242I variant (also known as c.9725C>T), located in coding exon 26 of the BRCA2 gene, results from a C to T substitution at nucleotide position 9725. The threonine at codon 3242 is replaced by isoleucine, an amino acid with similar properties. This variant was observed in 1/3251 individuals who met eligibility criteria for hereditary breast and ovarian cancer syndrome (Lerner-Ellis J et al. J Cancer Res Clin Oncol, 2021 Mar;147:871-879). This amino acid position is poorly conserved in available vertebrate species. In addition, this alteration is predicted to be tolerated by in silico analysis. Since supporting evidence is limited at this time, the clinical significance of this alteration remains unclear.

Quest Diagnostics Nichols Institute San Juan Capistrano
Classification: Uncertain significance. Last evaluated: 2019-10-01. Review status: criteria provided, single submitter. Criteria: Quest Diagnostics criteria. Collection method: clinical testing. Allele origin: unknown.

Department of Pathology and Laboratory Medicine, Sinai Health System
Classification: Uncertain significance for Breast-ovarian cancer, familial, susceptibility to, 2. Review status: no assertion criteria provided. Collection method: clinical testing. Allele origin: unknown. Affected: yes. Study: The Canadian Open Genetics Repository (COGR). Not counted in ClinVar's aggregate classification.
Comment: The BRCA2 p.Thr3242Ile variant was not identified in the literature nor was it identified in the LOVD 3.0 and UMD-LSDB databases. The variant was identified in dbSNP (rs768210077) as â€šÃ„Ãºwith uncertain significance alleleâ€šÃ„Ã¹ and ClinVar (classified as uncertain significance by Invitae). The variant was identified in control databases in 1 of 251,100 chromosomes at a frequency of 0.000004 (Genome Aggregation Database Feb 27, 2017). The variant was observed in the following populations: European in 1 of 113,586 chromosomes (freq: 0.000009); it was not observed in the African, Latino, Ashkenazi Jewish, East Asian, Finnish, Other and South Asian populations. The p.Thr3242 residue is not conserved in mammals and computational analyses (PolyPhen-2, SIFT, AlignGVGD, BLOSUM, MutationTaster) do not suggest a high likelihood of impact to the protein; however, this information is not predictive enough to rule out pathogenicity. The variant occurs outside of the splicing consensus sequence and in silico or computational prediction software programs (SpliceSiteFinder, MaxEntScan, NNSPLICE, GeneSplicer) do not predict a difference in splicing. In summary, based on the above information the clinical significance of this variant cannot be determined with certainty at this time. This variant is classified as a variant of uncertain significance.

Literature cited by the submitters: PubMed 32885271 (cited by Ambry Genetics).